The following is an entry in ClinVar:

ClinVar aggregate classification (germline): Uncertain significance (1 of 4 stars; one submission).

Allele frequency attached by ClinVar (database versions not stated): gnomAD exomes below 0.00001; gnomAD 0.00001; 1000 Genomes Project 30x 0.00016; 1000 Genomes Project 0.00020.

Submission:

Labcorp Genetics (formerly Invitae), Labcorp
Classification: Uncertain significance. Last evaluated: 2024-08-27. Review status: criteria provided, single submitter. Criteria: Invitae Variant Classification Sherloc (09022015). Collection method: clinical testing. Allele origin: germline.
Comment: This sequence change replaces asparagine, which is neutral and polar, with serine, which is neutral and polar, at codon 222 of the EXOSC2 protein (p.Asn222Ser). This variant is not present in population databases (gnomAD no frequency). This variant has not been reported in the literature in individuals affected with EXOSC2-related conditions. ClinVar contains an entry for this variant (Variation ID: 1912877). Invitae Evidence Modeling of protein sequence and biophysical properties (such as structural, functional, and spatial information, amino acid conservation, physicochemical variation, residue mobility, and thermodynamic stability) indicates that this missense variant is not expected to disrupt EXOSC2 protein function with a negative predictive value of 80%. In summary, the available evidence is currently insufficient to determine the role of this variant in disease. Therefore, it has been classified as a Variant of Uncertain Significance.

NM_014285.7(EXOSC2):c.665A>G (p.Asn222Ser)

Gene: EXOSC2 (exosome component 2; plus strand). Cytogenetic location: 9q34.12.
Variant type: single nucleotide variant.
Coding change: c.665A>G on transcript NM_014285.7 (MANE Select); coding-DNA position 665, A replaced by G.
Protein change: p.Asn222Ser; replaces asparagine 222 with serine.
Molecular consequence: missense variant. On other transcripts: non-coding transcript variant (1).
Genome position (GRCh38, 1-based): chr9:130,702,303, A>G. VCF-style: chr9-130702303-A-G. GRCh37 (hg19) VCF-style: chr9-133577690-A-G.
Other names: c.587A>G, p.Asn196Ser (NM_001282708.1); c.575A>G, p.Asn192Ser (NM_001282709.1); short protein forms N192S, N196S, N222S.
Identifiers: ClinVar variation 1912877 (VCV001912877.5), dbSNP rs543265054, ClinGen allele CA200633328.
Genomic context (GRCh38, chr9:130,702,303, plus strand): 5'-TCATCTGGATTTACCCAACACCTGAGCACAAAGAAGAGGAAGCAGGGGGCTTCATTGCAA[A>G]CCTGGAGGTGAGCAAACACTGTGGCCATTTTCAGTGGGATGGAGGGGGCTCAGTCTTTGC-3'
Protein context (NP_055100.2, residues 212-232): KEEEAGGFIA[Asn222Ser]LEPVSLADRE